The following is an entry in ClinVar:

ClinVar aggregate classification (germline): Uncertain significance (1 of 4 stars; one submission).

Conditions:
Epidermolysis bullosa simplex 5B, with muscular dystrophy (EBS5B). Also called: EPIDERMOLYSIS BULLOSA SIMPLEX AND LIMB-GIRDLE MUSCULAR DYSTROPHY; Epidermolysis bullosa simplex with muscular dystrophy. Identifiers: Orphanet 257, MedGen C2931072, MONDO:0009181, OMIM 226670.
Epidermolysis bullosa simplex, Ogna type (EBS5A). Also called: EPIDERMOLYSIS BULLOSA SIMPLEX 5A, OGNA TYPE; Pidermolysis bullosa simplex 5A, Ogna type. Identifiers: Orphanet 79401, MedGen C0432317, MONDO:0007555, OMIM 131950.
Epidermolysis bullosa simplex 5C, with pyloric atresia (EBS5C). Also called: Epidermolysis bullosa simplex with pyloric atresia; PLEC-Related Epidermolysis Bullosa with Pyloric Atresia; PLEC1-Related Epidermolysis Bullosa with Pyloric Atresia. Identifiers: Orphanet 158684, MedGen C2677349, MONDO:0012807, OMIM 612138.
Autosomal recessive limb-girdle muscular dystrophy type 2Q (LGMDR17). Also called: MUSCULAR DYSTROPHY, LIMB-GIRDLE, AUTOSOMAL RECESSIVE 17. Identifiers: Orphanet 254361, MedGen C3150989, MONDO:0013390, OMIM 613723.
Epidermolysis bullosa simplex with nail dystrophy (EBS5D). Identifiers: MedGen C4225309, MONDO:0014661, OMIM 616487.

gnomAD v4.1: 7 of 1,612,698 alleles (0.00043%); highest among the groups gnomAD compares: Non-Finnish European, 0.00059%; no homozygotes.

Submission:

Labcorp Genetics (formerly Invitae), Labcorp
Classification: Uncertain significance for Autosomal recessive limb-girdle muscular dystrophy type 2Q; Epidermolysis bullosa simplex, Ogna type; Epidermolysis bullosa simplex with nail dystrophy; Epidermolysis bullosa simplex 5C, with pyloric atresia; Epidermolysis bullosa simplex 5B, with muscular dystrophy. Last evaluated: 2024-03-15. Review status: criteria provided, single submitter. Criteria: Invitae Variant Classification Sherloc (09022015). Collection method: clinical testing. Allele origin: germline.
Comment: This sequence change replaces glycine, which is neutral and non-polar, with arginine, which is basic and polar, at codon 3766 of the PLEC protein (p.Gly3766Arg). This variant is present in population databases (rs547128082, gnomAD 0.005%). This variant has not been reported in the literature in individuals affected with PLEC-related conditions. ClinVar contains an entry for this variant (Variation ID: 1018157). An algorithm developed to predict the effect of missense changes on protein structure and function (PolyPhen-2) suggests that this variant is likely to be disruptive. In summary, the available evidence is currently insufficient to determine the role of this variant in disease. Therefore, it has been classified as a Variant of Uncertain Significance.

NM_201384.3(PLEC):c.11215G>A (p.Gly3739Arg)

Gene: PLEC (plectin; minus strand). Cytogenetic location: 8q24.3.
Variant type: single nucleotide variant.
Coding change: c.11215G>A on transcript NM_201384.3 (MANE Select); coding-DNA position 11215, G replaced by A.
Protein change: p.Gly3739Arg; replaces glycine 3739 with arginine.
Molecular consequence: missense variant.
Genome position (GRCh38, 1-based): chr8:143,918,606, C>T on the plus strand (G>A on the coding strand, the complement: PLEC is on the minus strand). VCF-style: chr8-143918606-C-T. GRCh37 (hg19) VCF-style: chr8-144992774-C-T.
Other names: c.11215G>A, p.Gly3739Arg (NM_201382.4); c.11227G>A, p.Gly3743Arg (NM_201383.3); c.11296G>A, p.Gly3766Arg (NM_000445.5); c.11173G>A, p.Gly3725Arg (NM_201378.4); c.11149G>A, p.Gly3717Arg (NM_201379.3); c.11626G>A, p.Gly3876Arg (NM_201380.4); c.11119G>A, p.Gly3707Arg (NM_201381.3); short protein forms G3707R, G3717R, G3725R, G3739R, G3743R, G3766R, G3876R.
Identifiers: ClinVar variation 1018157 (VCV001018157.9), dbSNP rs547128082, ClinGen allele CA4924409.